The following is an entry in ClinVar:

ClinVar aggregate classification (germline): Benign/Likely benign. Review status: criteria provided, multiple submitters, no conflicts (2 of 4 stars). 2 submissions from 2 submitters: Benign (1); Likely benign (1). Last evaluated 2026-09-01.

Allele frequency attached by ClinVar (database versions not stated): 1000 Genomes Project 0.00260; 1000 Genomes Project 30x 0.00297; gnomAD 0.00425 and 0.00498; TOPMed 0.00530; gnomAD exomes 0.00540.
gnomAD v4.1: 2,067 of 398,566 alleles (0.52%); highest among the groups gnomAD compares: Non-Finnish European, 0.7%; 14 homozygotes.

Submissions (2):

CeGaT Center for Human Genetics Tuebingen
Classification: Likely benign. Last evaluated: 2026-09-01. Review status: criteria provided, single submitter. Criteria: CeGaT Center For Human Genetics Tuebingen Variant Classification Criteria Version 2. Collection method: clinical testing. Allele origin: germline. Affected: yes. Observed: 33 variant alleles.
Comment: KCNQ1OT1: BS2

Blueprint Genetics
Classification: Benign. Last evaluated: 2024-11-27. Review status: criteria provided, single submitter. Criteria: ACMG Guidelines, 2015. Collection method: clinical testing. Allele origin: germline.

NM_000218.3(KCNQ1):c.1393+30318T>C

Genes: KCNQ1 (potassium voltage-gated channel subfamily Q member 1; plus strand), KCNQ1OT1 (KCNQ1 opposite strand/antisense transcript 1; minus strand). Cytogenetic location: 11p15.5.
Variant type: single nucleotide variant.
Coding change: c.1393+30318T>C on transcript NM_000218.3 (MANE Select); 30318 bases into the intron after coding-DNA position 1393, T replaced by C.
Molecular consequence: intron variant.
Genome position (GRCh38, 1-based): chr11:2,619,172, T>C. VCF-style: chr11-2619172-T-C. GRCh37 (hg19) VCF-style: chr11-2640402-T-C.
Other names: c.1123+30318T>C (NM_001406837.1); c.1297+30318T>C (NM_001406836.1); c.853+30318T>C (NM_001406838.1); c.1012+30318T>C (NM_181798.2).
Identifiers: ClinVar variation 1694592 (VCV001694592.32), dbSNP rs143487362, ClinGen allele CA216361374.